The following is an entry in ClinVar:

NM_022124.6(CDH23):c.4588C>A (p.Pro1530Thr)

Gene: CDH23 (cadherin related 23; plus strand). Cytogenetic location: 10q22.1.
Variant type: single nucleotide variant.
Coding change: c.4588C>A on transcript NM_022124.6 (MANE Select); coding-DNA position 4588, C replaced by A.
Protein change: p.Pro1530Thr; replaces proline 1530 with threonine.
Molecular consequence: missense variant.
Genome position (GRCh38, 1-based): chr10:71,740,921, C>A. VCF-style: chr10-71740921-C-A. GRCh37 (hg19) VCF-style: chr10-73500678-C-A.
Other names: short protein forms P1530T.
Identifiers: ClinVar variation 1480881 (VCV001480881.8), dbSNP rs2132846292, ClinGen allele CA377160700.
Genomic context (GRCh38, chr10:71,740,921, plus strand): 5'-GACCACATCCTGCAGGTGACCATCCTGGACATCAATGACAACCCTCCAGTCATCGAGAGC[C>A]CCTTTGGATACAATGTCAGTGTGAATGAGGTGAGGGCAGCCCCGGGGCCCATATAGCTGG-3'
Protein context (NP_071407.4, residues 1520-1540): INDNPPVIES[Pro1530Thr]FGYNVSVNEN

ClinVar aggregate classification (germline): Uncertain significance (1 of 4 stars; one submission).

Submission:

Labcorp Genetics (formerly Invitae), Labcorp
Classification: Uncertain significance. Last evaluated: 2022-02-04. Review status: criteria provided, single submitter. Criteria: Invitae Variant Classification Sherloc (09022015). Collection method: clinical testing. Allele origin: germline.
Comment: In summary, the available evidence is currently insufficient to determine the role of this variant in disease. Therefore, it has been classified as a Variant of Uncertain Significance. Algorithms developed to predict the effect of missense changes on protein structure and function are either unavailable or do not agree on the potential impact of this missense change (SIFT: "Tolerated"; PolyPhen-2: "Not Available"; Align-GVGD: "Class C0"). This variant has not been reported in the literature in individuals affected with CDH23-related conditions. This variant is not present in population databases (gnomAD no frequency). This sequence change replaces proline, which is neutral and non-polar, with threonine, which is neutral and polar, at codon 1530 of the CDH23 protein (p.Pro1530Thr).